The following is an entry in ClinVar:

ClinVar aggregate classification (germline): Conflicting classifications of pathogenicity. Review status: criteria provided, conflicting classifications (1 of 4 stars). 3 submissions from 3 submitters: Uncertain significance (2); Likely benign (1). Last evaluated 2026-05-18.

Conditions:
TRAP1-related disorder. Also called: TRAP1-related condition.

Allele frequency attached by ClinVar (database versions not stated): TOPMed 0.00006; gnomAD exomes 0.00007; gnomAD 0.00008; ExAC 0.00010; 1000 Genomes Project 30x 0.00031; 1000 Genomes Project 0.00040.
gnomAD v4.1: 114 of 1,612,672 alleles (0.0071%); highest among the groups gnomAD compares: Admixed American, 0.017%; 2 homozygotes.

Submissions (3):

PreventionGenetics, part of Exact Sciences
Classification: Uncertain significance for TRAP1-related condition. Last evaluated: 2026-05-18. Review status: criteria provided, single submitter. Criteria: ACMG Guidelines, 2015. Collection method: clinical testing. Allele origin: germline.
Comment: The TRAP1 c.1087G>A variant is predicted to result in the amino acid substitution p.Val363Ile. To our knowledge, this variant has not been reported in the literature. This variant is reported in 0.018% of alleles in individuals of Latino descent in gnomAD. At this time, the clinical significance of this variant is uncertain due to the absence of conclusive functional and genetic evidence.

Labcorp Genetics (formerly Invitae), Labcorp
Classification: Uncertain significance. Last evaluated: 2025-04-13. Review status: criteria provided, single submitter. Criteria: Invitae Variant Classification Sherloc (09022015). Collection method: clinical testing. Allele origin: germline.
Comment: This sequence change replaces valine, which is neutral and non-polar, with isoleucine, which is neutral and non-polar, at codon 363 of the TRAP1 protein (p.Val363Ile). This variant is present in population databases (rs183666083, gnomAD 0.02%). This variant has not been reported in the literature in individuals affected with TRAP1-related conditions. ClinVar contains an entry for this variant (Variation ID: 2598383). Invitae Evidence Modeling of protein sequence and biophysical properties (such as structural, functional, and spatial information, amino acid conservation, physicochemical variation, residue mobility, and thermodynamic stability) indicates that this missense variant is not expected to disrupt TRAP1 protein function with a negative predictive value of 80%. In summary, the available evidence is currently insufficient to determine the role of this variant in disease. Therefore, it has been classified as a Variant of Uncertain Significance.

Ambry Genetics
Classification: Likely benign. Last evaluated: 2023-07-31. Review status: criteria provided, single submitter. Criteria: Ambry Variant Classification Scheme 2023. Collection method: clinical testing. Allele origin: germline.

NM_016292.3(TRAP1):c.1087G>A (p.Val363Ile)

Gene: TRAP1 (TNF receptor associated protein 1; minus strand). Cytogenetic location: 16p13.3.
Variant type: single nucleotide variant.
Coding change: c.1087G>A on transcript NM_016292.3 (MANE Select); coding-DNA position 1087, G replaced by A.
Protein change: p.Val363Ile; replaces valine 363 with isoleucine.
Molecular consequence: missense variant.
Genome position (GRCh38, 1-based): chr16:3,672,778, C>T on the plus strand (G>A on the coding strand, the complement: TRAP1 is on the minus strand). VCF-style: chr16-3672778-C-T. GRCh37 (hg19) VCF-style: chr16-3722779-C-T.
Other names: c.928G>A, p.Val310Ile (NM_001272049.2); short protein forms V363I, V310I.
Identifiers: ClinVar variation 2598383 (VCV002598383.6), dbSNP rs183666083, ClinGen allele CA7868296.